The following is an entry in ClinVar:

NM_014425.5(INVS):c.756T>C (p.Asp252=)

Gene: INVS (inversin; plus strand). Cytogenetic location: 9q31.1.
Variant type: single nucleotide variant.
Coding change: c.756T>C on transcript NM_014425.5 (MANE Select); coding-DNA position 756, T replaced by C.
Protein change: p.Asp252=; no amino-acid change (aspartic acid 252 retained).
Molecular consequence: synonymous variant. On other transcripts: 5 prime UTR variant (1), non-coding transcript variant (1).
Genome position (GRCh38, 1-based): chr9:100,240,200, T>C. VCF-style: chr9-100240200-T-C. GRCh37 (hg19) VCF-style: chr9-103002482-T-C.
Other names: c.468T>C, p.Asp156= (NM_001318381.2); c.-234T>C (NM_001318382.2).
Identifiers: ClinVar variation 3057039 (VCV003057039.2), dbSNP rs2491236607, ClinGen allele CA466557841.
Genomic context (GRCh38, chr9:100,240,200, plus strand): 5'-GAATGTGACCGTGGTTGATGTCTTGACCTCATATGAAAGCTGCAATATAACGTCTTATGA[T>C]AACTTATTTCGAACCCCACTGCACTGGGCAGCTTTATTAGGTACGTGACTCAAAGGATCA-3'
Protein context (NP_055240.2, residues 242-262): SYESCNITSY[Asp252=]NLFRTPLHWA

ClinVar aggregate classification (germline): Likely benign (0 of 4 stars; one submission).

Conditions:
INVS-related disorder. Also called: INVS-related condition.

Submission:

PreventionGenetics, part of Exact Sciences
Classification: Likely benign for INVS-related condition. Last evaluated: 2022-01-16. Review status: no assertion criteria provided. Collection method: clinical testing. Allele origin: germline.
Comment: This variant is classified as likely benign based on ACMG/AMP sequence variant interpretation guidelines (Richards et al. 2015 PMID: 25741868, with internal and published modifications).